The following is an entry in ClinVar:

ClinVar aggregate classification (germline): Uncertain significance (1 of 4 stars; one submission).

Conditions:
CHARGE syndrome (CHARGE). Also called: CHARGE ASSOCIATION--COLOBOMA, HEART ANOMALY, CHOANAL ATRESIA, RETARDATION, GENITAL AND EAR ANOMALIES; Coloboma, heart anomaly, choanal atresia, retardation, genital and ear anomalies; CHARGE association; Hall-Hittner syndrome; Hittner Hirsch Kreh syndrome. Identifiers: Orphanet 138, MedGen C0265354, MONDO:0008965.

Submission:

Labcorp Genetics (formerly Invitae), Labcorp
Classification: Uncertain significance for CHARGE syndrome. Last evaluated: 2025-11-13. Review status: criteria provided, single submitter. Criteria: Invitae Variant Classification Sherloc (09022015). Collection method: clinical testing. Allele origin: germline.
Comment: This sequence change replaces glutamine, which is neutral and polar, with arginine, which is basic and polar, at codon 499 of the CHD7 protein (p.Gln499Arg). Information on the frequency of this variant in the gnomAD database is not available, as this variant may be reported differently in the database. This variant has not been reported in the literature in individuals affected with CHD7-related conditions. ClinVar contains an entry for this variant (Variation ID: 860025). An algorithm developed to predict the effect of missense changes on protein structure and function (PolyPhen-2) suggests that this variant is likely to be tolerated. In summary, the available evidence is currently insufficient to determine the role of this variant in disease. Therefore, it has been classified as a Variant of Uncertain Significance.

NM_017780.4(CHD7):c.1496_1497delinsGC (p.Gln499Arg)

Gene: CHD7 (chromodomain helicase DNA binding protein 7; plus strand). Cytogenetic location: 8q12.2.
Variant type: Indel.
Coding change: c.1496_1497delinsGC on transcript NM_017780.4 (MANE Select); coding-DNA positions 1496 to 1497, AA replaced by GC.
Protein change: p.Gln499Arg; replaces glutamine 499 with arginine.
Molecular consequence: missense variant.
Genome position (GRCh38, 1-based): chr8:60,742,928-60,742,929, AA replaced by GC. VCF-style: chr8-60742928-AA-GC. GRCh37 (hg19) VCF-style: chr8-61655487-AA-GC.
Other names: c.1496_1497delinsGC, p.Gln499Arg (NM_001316690.1); short protein forms Q499R.
Identifiers: ClinVar variation 860025 (VCV000860025.9), dbSNP rs1809129557, ClinGen allele CA916080396.